The following is an entry in ClinVar:

NM_206933.4(USH2A):c.5436A>G (p.Ile1812Met)

Genes: USH2A (usherin; minus strand), USH2A-AS2 (USH2A antisense RNA 2; plus strand). Cytogenetic location: 1q41.
Variant type: single nucleotide variant.
Coding change: c.5436A>G on transcript NM_206933.4 (MANE Select); coding-DNA position 5436, A replaced by G.
Protein change: p.Ile1812Met; replaces isoleucine 1812 with methionine.
Molecular consequence: missense variant.
Genome position (GRCh38, 1-based): chr1:216,078,225, T>C on the plus strand (A>G on the coding strand, the complement: USH2A is on the minus strand). VCF-style: chr1-216078225-T-C. GRCh37 (hg19) VCF-style: chr1-216251567-T-C.
Other names: c.5436A>G (NM_206933.2); short protein forms I1812M.
Identifiers: ClinVar variation 1402981 (VCV001402981.7), dbSNP rs760159684, ClinGen allele CA1395451.
Genomic context (GRCh38, chr1:216,078,225, plus strand): 5'-CACCAGTGGCTGGTCTCCGGACTCCGATGCATGCTTCATCAGTCCATTCACACTTGCTGA[T>C]ATGAAAGAGCCTTCCTTTTTAATAATGACTTTATTCCACTTTCCATTACAATAGGATAGC-3'
Protein context (NP_996816.3, residues 1802-1822): KVIIKKEGSF[Ile1812Met]SASVNGLMKH

ClinVar aggregate classification (germline): Uncertain significance. Review status: criteria provided, multiple submitters, no conflicts (2 of 4 stars). 3 submissions from 3 submitters: Uncertain significance (3). Last evaluated 2025-09-16.

Conditions:
Inborn genetic diseases. Identifiers: MedGen C0950123, MeSH D030342.

Allele frequency attached by ClinVar (database versions not stated): gnomAD exomes below 0.00001 and 0.00001; TOPMed below 0.00001; ExAC 0.00001.
gnomAD v4.1: 6 of 1,613,902 alleles (0.00037%); highest among the groups gnomAD compares: Non-Finnish European, 0.00051%; no homozygotes.

Submissions (3):

Labcorp Genetics (formerly Invitae), Labcorp
Classification: Uncertain significance. Last evaluated: 2025-09-16. Review status: criteria provided, single submitter. Criteria: Invitae Variant Classification Sherloc (09022015). Collection method: clinical testing. Allele origin: germline.
Comment: This sequence change replaces isoleucine, which is neutral and non-polar, with methionine, which is neutral and non-polar, at codon 1812 of the USH2A protein (p.Ile1812Met). This variant is present in population databases (rs760159684, gnomAD 0.002%). This variant has not been reported in the literature in individuals affected with USH2A-related conditions. ClinVar contains an entry for this variant (Variation ID: 1402981). Invitae Evidence Modeling of protein sequence and biophysical properties (such as structural, functional, and spatial information, amino acid conservation, physicochemical variation, residue mobility, and thermodynamic stability) indicates that this missense variant is not expected to disrupt USH2A protein function with a negative predictive value of 95%. In summary, the available evidence is currently insufficient to determine the role of this variant in disease. Therefore, it has been classified as a Variant of Uncertain Significance.

Ambry Genetics
Classification: Uncertain significance for Inborn genetic diseases. Last evaluated: 2024-12-04. Review status: criteria provided, single submitter. Criteria: Ambry Variant Classification Scheme 2023. Collection method: clinical testing. Allele origin: germline.

Blueprint Genetics
Classification: Uncertain significance. Last evaluated: 2020-08-25. Review status: criteria provided, single submitter. Criteria: ACMG Guidelines, 2015. Collection method: clinical testing. Allele origin: germline.